The following is an entry in ClinVar:

ClinVar aggregate classification (germline): Uncertain significance (1 of 4 stars; one submission).

Submission:

Labcorp Genetics (formerly Invitae), Labcorp
Classification: Uncertain significance. Last evaluated: 2023-05-25. Review status: criteria provided, single submitter. Criteria: Invitae Variant Classification Sherloc (09022015). Collection method: clinical testing. Allele origin: germline.
Comment: This sequence change replaces proline, which is neutral and non-polar, with serine, which is neutral and polar, at codon 1247 of the POLE protein (p.Pro1247Ser). This variant is not present in population databases (gnomAD no frequency). This variant has not been reported in the literature in individuals affected with POLE-related conditions. ClinVar contains an entry for this variant (Variation ID: 2132445). Advanced modeling of protein sequence and biophysical properties (such as structural, functional, and spatial information, amino acid conservation, physicochemical variation, residue mobility, and thermodynamic stability) performed at Invitae indicates that this missense variant is not expected to disrupt POLE protein function. In summary, the available evidence is currently insufficient to determine the role of this variant in disease. Therefore, it has been classified as a Variant of Uncertain Significance.

NM_006231.4(POLE):c.3739C>T (p.Pro1247Ser)

Gene: POLE (DNA polymerase epsilon, catalytic subunit; minus strand). Cytogenetic location: 12q24.33.
Variant type: single nucleotide variant.
Coding change: c.3739C>T on transcript NM_006231.4 (MANE Select); coding-DNA position 3739, C replaced by T.
Protein change: p.Pro1247Ser; replaces proline 1247 with serine.
Molecular consequence: missense variant.
Genome position (GRCh38, 1-based): chr12:132,649,733, G>A on the plus strand (C>T on the coding strand, the complement: POLE is on the minus strand). VCF-style: chr12-132649733-G-A. GRCh37 (hg19) VCF-style: chr12-133226319-G-A.
Other names: short protein forms P1247S.
Identifiers: ClinVar variation 2132445 (VCV002132445.4), dbSNP rs2138613200, ClinGen allele CA387386226.